The following is an entry in ClinVar:

ClinVar aggregate classification (germline): Uncertain significance. Review status: criteria provided, multiple submitters, no conflicts (2 of 4 stars). 2 submissions from 2 submitters: Uncertain significance (2). Last evaluated 2024-12-13.

Conditions:
Inborn genetic diseases. Identifiers: MedGen C0950123, MeSH D030342.
Cerebral cavernous malformation (CCM). Also called: CAVERNOUS ANGIOMA, FAMILIAL; CAVERNOUS ANGIOMATOUS MALFORMATIONS; CEREBRAL CAPILLARY MALFORMATIONS; Cerebral cavernous hemangioma (type); Cavernous Hemangioma of Brain; Cerebral cavernous malformations. Identifiers: Orphanet 221061, MedGen C2919945, MONDO:0000820, OMIM 116860, HP:0033522.

Allele frequency attached by ClinVar (database versions not stated): gnomAD exomes below 0.00001 and 0.00001; gnomAD 0.00001; TOPMed 0.00001.
gnomAD v4.1: 16 of 1,608,250 alleles (0.00099%); highest among the groups gnomAD compares: Admixed American, 0.0017%; no homozygotes.

Submissions (2):

Ambry Genetics
Classification: Uncertain significance for Inborn genetic diseases. Last evaluated: 2024-12-13. Review status: criteria provided, single submitter. Criteria: Ambry Variant Classification Scheme 2023. Collection method: clinical testing. Allele origin: germline.
Comment: The p.M730T variant (also known as c.2189T>C), located in coding exon 16 of the KRIT1 gene, results from a T to C substitution at nucleotide position 2189. The methionine at codon 730 is replaced by threonine, an amino acid with similar properties. This amino acid position is conserved. In addition, this alteration is predicted to be tolerated by in silico analysis. Based on the available evidence, the clinical significance of this variant remains unclear.

Labcorp Genetics (formerly Invitae), Labcorp
Classification: Uncertain significance for Cerebral cavernous malformation. Last evaluated: 2021-09-24. Review status: criteria provided, single submitter. Criteria: Invitae Variant Classification Sherloc (09022015). Collection method: clinical testing. Allele origin: germline.
Comment: This sequence change replaces methionine with threonine at codon 730 of the KRIT1 protein (p.Met730Thr). The methionine residue is moderately conserved and there is a moderate physicochemical difference between methionine and threonine. In summary, the available evidence is currently insufficient to determine the role of this variant in disease. Therefore, it has been classified as a Variant of Uncertain Significance. Algorithms developed to predict the effect of missense changes on protein structure and function (SIFT, PolyPhen-2, Align-GVGD) all suggest that this variant is likely to be tolerated. This variant has not been reported in the literature in individuals affected with KRIT1-related conditions. This variant is not present in population databases (ExAC no frequency).

NM_194454.3(KRIT1):c.2189T>C (p.Met730Thr)

Gene: KRIT1 (KRIT1 ankyrin repeat containing; minus strand). Cytogenetic location: 7q21.2.
Variant type: single nucleotide variant.
Coding change: c.2189T>C on transcript NM_194454.3 (MANE Select); coding-DNA position 2189, T replaced by C.
Protein change: p.Met730Thr; replaces methionine 730 with threonine.
Molecular consequence: missense variant.
Genome position (GRCh38, 1-based): chr7:92,200,758, A>G on the plus strand (T>C on the coding strand, the complement: KRIT1 is on the minus strand). VCF-style: chr7-92200758-A-G. GRCh37 (hg19) VCF-style: chr7-91830072-A-G.
Other names: c.2045T>C, p.Met682Thr (NM_001013406.2, NM_001350669.1, NM_001350670.1); c.1475T>C, p.Met492Thr (NM_001350671.1); c.2189T>C, p.Met730Thr (NM_001350672.1, NM_001350673.1, NM_001350674.1 and 26 more transcripts); short protein forms M682T, M730T, M492T.
Identifiers: ClinVar variation 1513912 (VCV001513912.7), dbSNP rs1251580650, ClinGen allele CA368165907.
Genomic context (GRCh38, chr7:92,200,758, plus strand): 5'-TACAAAATGTGGTGGCTTGAGTAACAGTTACTTCTCTTTCATGAATTTCTTTCAGTGGGC[A>G]TTAACTGTCCATTTAGCTTCATTAACAGTTTTACCACGAGACCAGCCTACAAAGTAAAAC-3'
Protein context (NP_919436.1, residues 720-736): KLLMKLNGQL[Met730Thr]PTERNS